The following is an entry in ClinVar:

ClinVar aggregate classification (germline): Uncertain significance (1 of 4 stars; one submission).

Conditions:
Inborn genetic diseases. Identifiers: MedGen C0950123, MeSH D030342.

Allele frequency attached by ClinVar (database versions not stated): TOPMed below 0.00001; gnomAD 0.00001.

Submission:

Ambry Genetics
Classification: Uncertain significance for Inborn genetic diseases. Last evaluated: 2019-09-06. Review status: criteria provided, single submitter. Criteria: Ambry Variant Classification Scheme 2023. Collection method: clinical testing. Allele origin: germline.
Comment: The p.K260R variant (also known as c.779A>G), located in coding exon 1 of the GJB1 gene, results from an A to G substitution at nucleotide position 779. The lysine at codon 260 is replaced by arginine, an amino acid with highly similar properties. This amino acid position is highly conserved in available vertebrate species. In addition, the in silico prediction for this alteration is inconclusive. Since supporting evidence is limited at this time, the clinical significance of this alteration remains unclear.

NM_000166.6(GJB1):c.779A>G (p.Lys260Arg)

Gene: GJB1 (gap junction protein beta 1; plus strand). Cytogenetic location: Xq13.1.
Variant type: single nucleotide variant.
Coding change: c.779A>G on transcript NM_000166.6 (MANE Select); coding-DNA position 779, A replaced by G.
Protein change: p.Lys260Arg; replaces lysine 260 with arginine.
Molecular consequence: missense variant.
Genome position (GRCh38, 1-based): chrX:71,224,486, A>G. VCF-style: chrX-71224486-A-G. GRCh37 (hg19) VCF-style: chrX-70444336-A-G.
Other names: c.779A>G, p.Lys260Arg (NM_001097642.3); short protein forms K260R.
Identifiers: ClinVar variation 1760659 (VCV001760659.2), dbSNP rs1353378586, ClinGen allele CA413504076.